The following is an entry in ClinVar:

NM_000051.4(ATM):c.3634T>G (p.Ser1212Ala)

Gene: ATM (ATM serine/threonine kinase; plus strand). Cytogenetic location: 11q22.3.
Variant type: single nucleotide variant.
Coding change: c.3634T>G on transcript NM_000051.4 (MANE Select); coding-DNA position 3634, T replaced by G.
Protein change: p.Ser1212Ala; replaces serine 1212 with alanine.
Molecular consequence: missense variant.
Genome position (GRCh38, 1-based): chr11:108,282,767, T>G. VCF-style: chr11-108282767-T-G. GRCh37 (hg19) VCF-style: chr11-108153494-T-G.
Other names: c.3634T>G, p.Ser1212Ala (NM_001351834.2); short protein forms S1212A.
Identifiers: ClinVar variation 429452 (VCV000429452.4), dbSNP rs1131691390, ClinGen allele CA382522896.

ClinVar aggregate classification (germline): Uncertain significance (1 of 4 stars; one submission).

Submission:

GeneDx
Classification: Uncertain significance. Last evaluated: 2024-07-18. Review status: criteria provided, single submitter. Criteria: GeneDx Variant Classification Process June 2021. Collection method: clinical testing. Allele origin: germline. Affected: yes.
Comment: Not observed at significant frequency in large population cohorts (gnomAD); In silico analysis indicates that this missense variant does not alter protein structure/function; Has not been previously published as pathogenic or benign to our knowledge; This variant is associated with the following publications: (PMID: 19781682)